The following is an entry in ClinVar:

NM_000169.3(GLA):c.810T>G (p.Ile270Met)

Genes: GLA (galactosidase alpha; minus strand), RPL36A-HNRNPH2 (RPL36A-HNRNPH2 readthrough; plus strand). Cytogenetic location: Xq22.1.
Variant type: single nucleotide variant.
Coding change: c.810T>G on transcript NM_000169.3 (MANE Select); coding-DNA position 810, T replaced by G.
Protein change: p.Ile270Met; replaces isoleucine 270 with methionine.
Molecular consequence: missense variant. On other transcripts: non-coding transcript variant (3), intron variant (2).
Genome position (GRCh38, 1-based): chrX:101,398,559, A>C on the plus strand (T>G on the coding strand, the complement: GLA is on the minus strand). VCF-style: chrX-101398559-A-C. GRCh37 (hg19) VCF-style: chrX-100653547-A-C.
Other names: c.933T>G, p.Ile311Met (NM_001406747.1); c.810T>G, p.Ile270Met (NM_001406748.1); c.300+3102A>C (NM_001199973.2); c.177+6737A>C (NM_001199974.2); short protein forms I270M, I311M.
Identifiers: ClinVar variation 4087523 (VCV004087523.2).

ClinVar aggregate classification (germline): Likely pathogenic (1 of 4 stars; one submission).

Conditions:
Fabry disease. Also called: ALPHA-GALACTOSIDASE A DEFICIENCY; ANDERSON-FABRY DISEASE; CERAMIDE TRIHEXOSIDASE DEFICIENCY; GLA DEFICIENCY; HEREDITARY DYSTOPIC LIPIDOSIS; Angiokeratoma corporis diffusum. Identifiers: Orphanet 324, MedGen C0002986, MONDO:0010526, OMIM 301500, HP:0001071. Disease mechanism: Fabry disease is due to inactivating mutations in the X-linked GLA gene resulting in deficiency of the enzyme Alpha Galactosidase-A., loss of function.

Submission:

Genomenon, Inc
Classification: Likely pathogenic for Fabry disease. Last evaluated: 2026-09-08. Review status: criteria provided, single submitter. Criteria: Genomenon Sequence Variant Interpretation Standards - Updated. Collection method: curation. Allele origin: germline. Affected: yes.
Comment: GLA p.Ile270Met (c.810T>G) is a missense variant that changes the amino acid at codon 270 from Isoleucine to Methionine. This variant has been observed in at least one proband with clinical features consistent with Fabry disease (PMID:34356073). At least one functional study has demonstrated a substantial alteration in protein function relative to the wild-type (PMID:23935525). It is absent or not present at a significant frequency in gnomAD. In silico models predict that this variant is possibly or probably damaging. In conclusion, we classify GLA p.Ile270Met (c.810T>G) as a likely pathogenic variant.

Literature cited by the submitters: PubMed 34356073; PubMed 23935525.